The following is an entry in ClinVar:

ClinVar aggregate classification (germline): Likely pathogenic (1 of 4 stars; one submission).

Conditions:
Familial hypocalciuric hypercalcemia (FHH). Also called: Familial benign hypercalcemia. Identifiers: Orphanet 405, MedGen C1809471, MONDO:0018458.

Submission:

Women's Health and Genetics/Laboratory Corporation of America, LabCorp
Classification: Likely pathogenic for Familial hypocalciuric hypercalcemia. Last evaluated: 2026-02-25. Review status: criteria provided, single submitter. Criteria: LabCorp Variant Classification Summary - May 2015. Collection method: clinical testing. Allele origin: germline.
Comment: Variant summary: CASR c.1404_1405delinsA (p.Asn468LysfsX10) results in a premature termination codon, predicted to cause a truncation of the encoded protein or absence of the protein due to nonsense mediated decay, which are commonly known mechanisms for disease. Loss of function variants are known to be pathogenic for this gene. The variant was absent in 251412 control chromosomes. To our knowledge, no occurrence of c.1404_1405delinsA in individuals affected with CASR-related conditions and no experimental evidence demonstrating its impact on protein function have been reported. No submitters have cited clinical-significance assessments for this variant to ClinVar. Based on the evidence outlined above, the variant was classified as likely pathogenic.

NM_000388.4(CASR):c.1404_1405delinsA (p.Asn468fs)

Gene: CASR (calcium sensing receptor; plus strand). Cytogenetic location: 3q21.1.
Variant type: Indel.
Coding change: c.1404_1405delinsA on transcript NM_000388.4 (MANE Select); coding-DNA positions 1404 to 1405, CT replaced by A.
Protein change: p.Asn468fs; shifts the reading frame from asparagine 468.
Molecular consequence: frameshift variant.
Genome position (GRCh38, 1-based): chr3:122,275,838-122,275,839, CT replaced by A. VCF-style: chr3-122275838-CT-A. GRCh37 (hg19) VCF-style: chr3-121994685-CT-A.
Other names: c.1404_1405delinsA, p.Asn468fs (NM_001178065.2); short protein forms N468fs.
Identifiers: ClinVar variation 4848012 (VCV004848012.1).